The following is an entry in ClinVar:

NM_001080.3(ALDH5A1):c.1111_1115del (p.Gly371fs)

Gene: ALDH5A1 (aldehyde dehydrogenase 5 family member A1; plus strand). Cytogenetic location: 6p22.3.
Variant type: Deletion.
Coding change: c.1111_1115del on transcript NM_001080.3 (MANE Select); coding-DNA positions 1111 to 1115, 5 bases deleted (GGTAA; older notation c.1111_1115delGGTAA).
Protein change: p.Gly371fs; shifts the reading frame from glycine 371.
Molecular consequence: frameshift variant.
Genome position (GRCh38, 1-based): chr6:24,522,863-24,522,867, GGTAA deleted; deleting any 5 consecutive bases within chr6:24,522,862-24,522,867 gives the same sequence; the c. name uses the placement nearest the transcript's 3' end. VCF-style (leftmost placement, unchanged base first): chr6-24522861-TAGGTA-T. GRCh37 (hg19) VCF-style: chr6-24523089-TAGGTA-T.
Other names: c.1150_1154del, p.Gly384fs (NM_170740.1); c.1111_1115del5 (NM_001080.3); c.967_971del, p.Gly323fs (NM_001368954.1); short protein forms G323fs, G371fs, G384fs.
Identifiers: ClinVar variation 2632991 (VCV002632991.1), dbSNP rs2532868287, ClinGen allele CA2677529218.

ClinVar aggregate classification (germline): Likely pathogenic (1 of 4 stars; one submission).

Conditions:
ALDH5A1-related disorder. Also called: ALDH5A1-related condition.

Submission:

PreventionGenetics, part of Exact Sciences
Classification: Likely pathogenic for ALDH5A1-related condition. Last evaluated: 2023-05-15. Review status: criteria provided, single submitter. Criteria: ACMG Guidelines, 2015. Collection method: clinical testing. Allele origin: germline.
Comment: The ALDH5A1 c.1111_1115del5 variant is predicted to result in a frameshift and premature protein termination (p.Gly371Trpfs*3). To our knowledge, this variant has not been reported in the literature or in a large population database, indicating this variant is rare. Frameshift variants in ALDH5A1 are expected to be pathogenic. This variant is interpreted as likely pathogenic.